The following is an entry in ClinVar:

ClinVar aggregate classification (germline): Uncertain significance. Review status: criteria provided, multiple submitters, no conflicts (2 of 4 stars). 2 submissions from 2 submitters: Uncertain significance (2). Last evaluated 2024-07-15.

Conditions:
Hereditary cancer-predisposing syndrome. Also called: Neoplastic Syndromes, Hereditary; Tumor predisposition; Hereditary Cancer Syndrome; Hereditary neoplastic syndrome. Identifiers: Orphanet 140162, MedGen C0027672, MeSH D009386, MONDO:0015356.
Familial adenomatous polyposis 1 (FAP1). Also called: POLYPOSIS, ADENOMATOUS INTESTINAL; FAMILIAL ADENOMATOUS POLYPOSIS 1, ATTENUATED. Identifiers: MedGen C2713442, MONDO:0021056, OMIM 175100. Disease mechanism: loss of function.

Allele frequency attached by ClinVar (database versions not stated): gnomAD exomes below 0.00001.
gnomAD v4.1: 3 of 1,613,956 alleles (0.00019%); highest among the groups gnomAD compares: Non-Finnish European, 0.00025%; no homozygotes.

Submissions (2):

Labcorp Genetics (formerly Invitae), Labcorp
Classification: Uncertain significance for Familial adenomatous polyposis 1. Last evaluated: 2024-07-15. Review status: criteria provided, single submitter. Criteria: Invitae Variant Classification Sherloc (09022015). Collection method: clinical testing. Allele origin: germline.
Comment: This sequence change replaces tyrosine, which is neutral and polar, with cysteine, which is neutral and slightly polar, at codon 500 of the APC protein (p.Tyr500Cys). This variant is not present in population databases (gnomAD no frequency). This variant has not been reported in the literature in individuals affected with APC-related conditions. ClinVar contains an entry for this variant (Variation ID: 652466). Advanced modeling of protein sequence and biophysical properties (such as structural, functional, and spatial information, amino acid conservation, physicochemical variation, residue mobility, and thermodynamic stability) performed at Invitae indicates that this missense variant is not expected to disrupt APC protein function with a negative predictive value of 95%. In summary, the available evidence is currently insufficient to determine the role of this variant in disease. Therefore, it has been classified as a Variant of Uncertain Significance.

Ambry Genetics
Classification: Uncertain significance for Hereditary cancer-predisposing syndrome. Last evaluated: 2024-03-15. Review status: criteria provided, single submitter. Criteria: Ambry Variant Classification Scheme 2023. Collection method: clinical testing. Allele origin: germline.
Comment: The p.Y500C variant (also known as c.1499A>G), located in coding exon 11 of the APC gene, results from an A to G substitution at nucleotide position 1499. The tyrosine at codon 500 is replaced by cysteine, an amino acid with highly dissimilar properties. This amino acid position is conserved. In addition, in silico predictors for this gene do not accurately predict pathogenicity. Based on the available evidence, the clinical significance of this alteration remains unclear.

NM_000038.6(APC):c.1499A>G (p.Tyr500Cys)

Gene: APC (APC regulator of Wnt signaling pathway; plus strand). Cytogenetic location: 5q22.2.
Variant type: single nucleotide variant.
Coding change: c.1499A>G on transcript NM_000038.6 (MANE Select); coding-DNA position 1499, A replaced by G.
Protein change: p.Tyr500Cys; replaces tyrosine 500 with cysteine.
Molecular consequence: missense variant.
Genome position (GRCh38, 1-based): chr5:112,827,198, A>G. VCF-style: chr5-112827198-A-G. GRCh37 (hg19) VCF-style: chr5-112162895-A-G.
Other names: c.1499A>G, p.Tyr500Cys (NM_001127510.3, NM_001354895.2); c.1445A>G, p.Tyr482Cys (NM_001127511.3); c.1553A>G, p.Tyr518Cys (NM_001354896.2); c.1529A>G, p.Tyr510Cys (NM_001354897.2); c.1424A>G, p.Tyr475Cys (NM_001354898.2); c.1415A>G, p.Tyr472Cys (NM_001354899.2); c.1376A>G, p.Tyr459Cys (NM_001354900.2); c.1322A>G, p.Tyr441Cys (NM_001354901.2); and 5 more; short protein forms Y340C, Y472C, Y441C, Y475C, Y500C, Y510C, Y217C, Y374C.
Identifiers: ClinVar variation 652466 (VCV000652466.11), dbSNP rs1580565553, ClinGen allele CA16024585.